The following is an entry in ClinVar:

ClinVar aggregate classification (germline): Pathogenic. Review status: criteria provided, multiple submitters, no conflicts (2 of 4 stars). 6 submissions from 6 submitters: Pathogenic (6). Last evaluated 2025-01-28.

Conditions:
CEP290-related ciliopathy. Also called: CEP290 ciliopathy. Identifiers: MedGen CN305601, MONDO:0100451.
Severe hydrocephalus. Identifiers: MedGen C3278123, HP:0006882.
Polycystic kidney disease. Also called: Polycystic kidney dysplasia; Kidney, Polycystic. Identifiers: MedGen C0022680, MeSH D007690, MONDO:0020642, HP:0000113.
Encephalocele. Also called: Bifid cranium; Cranial meningoencephalocele; Craniocele. Identifiers: MedGen C4551722, HP:0002084.
Meckel-Gruber syndrome. Also called: Dysencephalia splachnocystica; DYSENCEPHALIA SPLANCHNOCYSTICA; GRUBER SYNDROME. Identifiers: Orphanet 564, MedGen C0265215, MONDO:0018921.
Nephronophthisis. Also called: Juvenile Nephronophthisis. Identifiers: Orphanet 655, MedGen C0687120, MONDO:0019005, HP:0000090.
Joubert syndrome. Also called: JOUBERT-BOLTSHAUSER SYNDROME; Familial aplasia of the vermis. Identifiers: Orphanet 475, MedGen C5979921, MONDO:0018772.
Meckel syndrome, type 4 (MKS4). Also called: MECKEL-GRUBER SYNDROME, TYPE 4. Identifiers: Orphanet 564, MedGen C1970161, MONDO:0012626, OMIM 611134.
Leber congenital amaurosis 10 (LCA10). Identifiers: Orphanet 65, MedGen C1857821, MONDO:0012723, OMIM 611755.
Joubert syndrome 5 (JBTS5). Identifiers: Orphanet 2318, MedGen C1857780, MONDO:0012432, OMIM 610188.
Senior-Loken syndrome 6 (SLSN6). Identifiers: Orphanet 3156, MedGen C1857779, MONDO:0012433, OMIM 610189.
Bardet-Biedl syndrome 14 (BBS14). Identifiers: Orphanet 110, MedGen C2673874, MONDO:0014442, OMIM 615991.
CEP290-related disorder. Also called: CEP290-related condition; CEP290-related disorders. Identifiers: MedGen CN239314.

Allele frequency attached by ClinVar (database versions not stated): gnomAD exomes below 0.00001; TOPMed below 0.00001; ExAC 0.00001.
gnomAD v4.1: 2 of 1,594,498 alleles (0.00013%); highest among the groups gnomAD compares: Non-Finnish European, 0.000085%; no homozygotes.

Submissions (6):

Myriad Genetics, Inc.
Classification: Pathogenic for CEP290-related ciliopathy. Last evaluated: 2025-01-28. Review status: criteria provided, single submitter. Criteria: Myriad Autosomal Dominant, Autosomal Recessive and X-Linked Classification Criteria (2023). Collection method: clinical testing. Allele origin: unknown.
Comment: NM_025114.3(CEP290):c.5329C>T(Q1777*) is expected to be pathogenic in the context of CEP290-related disorders. This variant is predicted to lead to an abnormal or absent protein product due to the creation of a premature termination codon in CEP290, a gene where loss-of-function variants are known to be pathogenic. Please note: this variant was assessed in the context of healthy population screening.

Fulgent Genetics
Classification: Pathogenic for Joubert syndrome 5; Senior-Loken syndrome 6; Meckel syndrome, type 4; Leber congenital amaurosis 10; Bardet-Biedl syndrome 14. Last evaluated: 2024-03-12. Review status: criteria provided, single submitter. Criteria: ACMG Guidelines, 2015. Collection method: clinical testing. Allele origin: germline.

Baylor Genetics
Classification: Pathogenic for Bardet-Biedl syndrome 14. Last evaluated: 2024-01-04. Review status: criteria provided, single submitter. Criteria: ACMG Guidelines, 2015. Collection method: clinical testing. Allele origin: unknown.

Labcorp Genetics (formerly Invitae), Labcorp
Classification: Pathogenic for Joubert syndrome; Meckel-Gruber syndrome; Nephronophthisis. Last evaluated: 2022-11-30. Review status: criteria provided, single submitter. Criteria: Invitae Variant Classification Sherloc (09022015). Collection method: clinical testing. Allele origin: germline.
Comment: For these reasons, this variant has been classified as Pathogenic. ClinVar contains an entry for this variant (Variation ID: 978630). This premature translational stop signal has been observed in individual(s) with CEP290-related conditions (PMID: 31680349). The frequency data for this variant in the population databases is considered unreliable, as metrics indicate poor data quality at this position in the gnomAD database. This sequence change creates a premature translational stop signal (p.Gln1777*) in the CEP290 gene. It is expected to result in an absent or disrupted protein product. Loss-of-function variants in CEP290 are known to be pathogenic (PMID: 16909394, 17345604, 20690115).

Blueprint Genetics
Classification: Pathogenic for CEP290-related disorders. Last evaluated: 2021-05-26. Review status: criteria provided, single submitter. Criteria: ACMG Guidelines, 2015. Collection method: clinical testing. Allele origin: germline. Affected: yes. Observed: 1 variant allele.

Center for Reproductive Medicine, Peking University Third Hospital
Classification: Pathogenic for Encephalocele; Severe hydrocephalus; Polycystic kidney disease. Last evaluated: 2019-10-16. Review status: criteria provided, single submitter. Criteria: ACMG Guidelines, 2015. Collection method: clinical testing. Allele origin: germline. Affected: yes.

Literature cited by the submitters: PubMed 31680349 (cited by Labcorp Genetics (formerly Invitae), Labcorp and Center for Reproductive Medicine, Peking University Third Hospital); PubMed 16909394 (cited by Labcorp Genetics (formerly Invitae), Labcorp); PubMed 17345604 (cited by Labcorp Genetics (formerly Invitae), Labcorp); PubMed 20690115 (cited by Labcorp Genetics (formerly Invitae), Labcorp); PubMed 17705300 (cited by Center for Reproductive Medicine, Peking University Third Hospital).

NM_025114.4(CEP290):c.5329C>T (p.Gln1777Ter)

Gene: CEP290 (centrosomal protein 290; minus strand). Cytogenetic location: 12q21.32.
Variant type: single nucleotide variant.
Coding change: c.5329C>T on transcript NM_025114.4 (MANE Select); coding-DNA position 5329, C replaced by T.
Protein change: p.Gln1777Ter; replaces glutamine 1777 with a stop codon.
Molecular consequence: nonsense.
Genome position (GRCh38, 1-based): chr12:88,079,127, G>A on the plus strand (C>T on the coding strand, the complement: CEP290 is on the minus strand). VCF-style: chr12-88079127-G-A. GRCh37 (hg19) VCF-style: chr12-88472904-G-A.
Other names: short protein forms Q1777*.
Identifiers: ClinVar variation 978630 (VCV000978630.14), dbSNP rs774410421, ClinGen allele CA6711738.